The following is an entry in ClinVar:

NM_000038.6(APC):c.1408+4A>C

Gene: APC (APC regulator of Wnt signaling pathway; plus strand). Cytogenetic location: 5q22.2.
Variant type: single nucleotide variant.
Coding change: c.1408+4A>C on transcript NM_000038.6 (MANE Select); 4 bases into the intron after coding-DNA position 1408, A replaced by C.
Molecular consequence: intron variant.
Genome position (GRCh38, 1-based): chr5:112,821,995, A>C. VCF-style: chr5-112821995-A-C. GRCh37 (hg19) VCF-style: chr5-112157692-A-C.
Other names: c.1408+4A>C (NM_001354895.2, NM_001127510.3, NM_001354896.2); c.1438+4A>C (NM_001354897.2); c.1135+4A>C (NM_001354902.2); c.1354+4A>C (NM_001127511.3); c.1333+4A>C (NM_001354898.2); c.1030+4A>C (NM_001354904.2); c.559+4A>C (NM_001354906.2); c.1105+4A>C (NM_001354903.2); and 3 more.
Identifiers: ClinVar variation 1771940 (VCV001771940.2), dbSNP rs2533112194, ClinGen allele CA2580072602.

ClinVar aggregate classification (germline): Uncertain significance (1 of 4 stars; one submission).

Conditions:
Hereditary cancer-predisposing syndrome. Also called: Hereditary Cancer Syndrome; Hereditary neoplastic syndrome; Neoplastic Syndromes, Hereditary; Tumor predisposition. Identifiers: Orphanet 140162, MedGen C0027672, MeSH D009386, MONDO:0015356.

Submission:

Ambry Genetics
Classification: Uncertain significance for Hereditary cancer-predisposing syndrome. Last evaluated: 2022-02-11. Review status: criteria provided, single submitter. Criteria: Ambry Variant Classification Scheme 2023. Collection method: clinical testing. Allele origin: germline.
Comment: The c.1408+4A>C intronic variant results from an A to C substitution 4 nucleotides after coding exon 10 in the APC gene. This nucleotide position is well conserved in available vertebrate species. In silico splice site analysis predicts that this alteration will not have any significant effect on splicing. Since supporting evidence is limited at this time, the clinical significance of this alteration remains unclear.